The following is an entry in ClinVar:

ClinVar aggregate classification (germline): Uncertain significance (1 of 4 stars; one submission).

Conditions:
Cardiovascular phenotype. Identifiers: MedGen CN230736.

gnomAD v4.1: 6 of 1,612,560 alleles (0.00037%); highest among the groups gnomAD compares: Non-Finnish European, 0.00051%; no homozygotes.

Submission:

Ambry Genetics
Classification: Uncertain significance for Cardiovascular phenotype. Last evaluated: 2025-07-13. Review status: criteria provided, single submitter. Criteria: Ambry Variant Classification Scheme 2023. Collection method: clinical testing. Allele origin: germline.
Comment: The p.F882S variant (also known as c.2645T>C), located in coding exon 33 of the CACNA2D1 gene, results from a T to C substitution at nucleotide position 2645. The phenylalanine at codon 882 is replaced by serine, an amino acid with highly dissimilar properties. This amino acid position is conserved. In addition, this alteration is predicted to be deleterious by in silico analysis. The evidence for this gene-disease relationship is limited; therefore, the clinical significance of this alteration is unclear.

NM_000722.4(CACNA2D1):c.2645T>C (p.Phe882Ser)

Gene: CACNA2D1 (calcium voltage-gated channel auxiliary subunit alpha2delta 1; minus strand). Cytogenetic location: 7q21.11.
Variant type: single nucleotide variant.
Coding change: c.2645T>C on transcript NM_000722.4 (MANE Select); coding-DNA position 2645, T replaced by C.
Protein change: p.Phe882Ser; replaces phenylalanine 882 with serine.
Molecular consequence: missense variant.
Genome position (GRCh38, 1-based): chr7:81,964,289, A>G on the plus strand (T>C on the coding strand, the complement: CACNA2D1 is on the minus strand). VCF-style: chr7-81964289-A-G. GRCh37 (hg19) VCF-style: chr7-81593605-A-G.
Other names: c.2681T>C, p.Phe894Ser (NM_001366867.1); short protein forms F882S, F894S.
Identifiers: ClinVar variation 4217921 (VCV004217921.1).
Genomic context (GRCh38, chr7:81,964,289, plus strand): 5'-GCTCCTTGTTTTGGTGCAGCACCGGGCTCACATACTGACTGATAATCATAAGATTTGTTA[A>G]AAGCATAAACTGATATATTAACCAGGTGTCTCATCAAGCTGGGATCAATCTCTCCAAAAA-3'
Protein context (NP_000713.2, residues 872-892): RHLVNISVYA[Phe882Ser]NKSYDYQSVC